The following is an entry in ClinVar:

NM_015072.5(TTLL5):c.1186+1del

Gene: TTLL5 (tubulin tyrosine ligase like 5; plus strand). Cytogenetic location: 14q24.3.
Variant type: Deletion.
Coding change: c.1186+1del on transcript NM_015072.5 (MANE Select); the canonical splice donor site of the intron after coding-DNA position 1186, one base deleted (G; older notation c.1186+1delG).
Molecular consequence: splice donor variant.
Genome position (GRCh38, 1-based): chr14:75,734,051, G deleted; the last of 2 consecutive G bases (chr14:75,734,050-75,734,051); deleting either gives the same sequence. VCF-style (leftmost placement, unchanged base first): chr14-75734049-AG-A. GRCh37 (hg19) VCF-style: chr14-76200392-AG-A.
Identifiers: ClinVar variation 1454773 (VCV001454773.6), dbSNP rs2140236907, ClinGen allele CA2573150208.

ClinVar aggregate classification (germline): Pathogenic (1 of 4 stars; one submission).

Submission:

Labcorp Genetics (formerly Invitae), Labcorp
Classification: Pathogenic. Last evaluated: 2021-10-11. Review status: criteria provided, single submitter. Criteria: Invitae Variant Classification Sherloc (09022015). Collection method: clinical testing. Allele origin: germline.
Comment: For these reasons, this variant has been classified as Pathogenic. Algorithms developed to predict the effect of sequence changes on RNA splicing suggest that this variant may disrupt the consensus splice site. This variant has not been reported in the literature in individuals affected with TTLL5-related conditions. This variant is not present in population databases (ExAC no frequency). This sequence change creates a premature translational stop signal (p.Gly396Aspfs*44) in the TTLL5 gene. It is expected to result in an absent or disrupted protein product. Loss-of-function variants in TTLL5 are known to be pathogenic (PMID: 24791901, 27162334).

Literature cited by the submitters: PubMed 24791901; PubMed 27162334.